The following is an entry in ClinVar:

ClinVar aggregate classification (germline): Uncertain significance (1 of 4 stars; one submission).

gnomAD v4.1: 3 of 1,614,068 alleles (0.00019%); highest among the groups gnomAD compares: Non-Finnish European, 0.00025%; no homozygotes.

Submission:

Labcorp Genetics (formerly Invitae), Labcorp
Classification: Uncertain significance. Last evaluated: 2024-03-13. Review status: criteria provided, single submitter. Criteria: Invitae Variant Classification Sherloc (09022015). Collection method: clinical testing. Allele origin: germline.
Comment: This sequence change replaces threonine, which is neutral and polar, with isoleucine, which is neutral and non-polar, at codon 476 of the RUNX2 protein (p.Thr476Ile). This variant is present in population databases (no rsID available, gnomAD 0.002%). This variant has not been reported in the literature in individuals affected with RUNX2-related conditions. Advanced modeling of protein sequence and biophysical properties (such as structural, functional, and spatial information, amino acid conservation, physicochemical variation, residue mobility, and thermodynamic stability) performed at Invitae indicates that this missense variant is not expected to disrupt RUNX2 protein function with a negative predictive value of 80%. In summary, the available evidence is currently insufficient to determine the role of this variant in disease. Therefore, it has been classified as a Variant of Uncertain Significance.

NM_001024630.4(RUNX2):c.1427C>T (p.Thr476Ile)

Gene: RUNX2 (RUNX family transcription factor 2; plus strand). Cytogenetic location: 6p21.1.
Variant type: single nucleotide variant.
Coding change: c.1427C>T on transcript NM_001024630.4 (MANE Select); coding-DNA position 1427, C replaced by T.
Protein change: p.Thr476Ile; replaces threonine 476 with isoleucine.
Molecular consequence: missense variant.
Genome position (GRCh38, 1-based): chr6:45,547,166, C>T. VCF-style: chr6-45547166-C-T. GRCh37 (hg19) VCF-style: chr6-45514903-C-T.
Other names: c.1361C>T, p.Thr454Ile (NM_001015051.4); c.1319C>T, p.Thr440Ile (NM_001278478.2); c.1385C>T, p.Thr462Ile (NM_001369405.1); short protein forms T454I, T476I, T440I, T462I.
Identifiers: ClinVar variation 3691702 (VCV003691702.2).
Genomic context (GRCh38, chr6:45,547,166, plus strand): 5'-TTCCCATGGTGCCGGGGGGAGACCGGTCTCCTTCCAGAATGCTTCCGCCATGCACCACCA[C>T]CTCGAATGGCAGCACGCTATTAAATCCAAATTTGCCTAACCAGAATGATGGTGTTGACGC-3'
Protein context (NP_001019801.3, residues 466-486): PSRMLPPCTT[Thr476Ile]SNGSTLLNPN